The following is an entry in ClinVar:

ClinVar aggregate classification (germline): Uncertain significance (1 of 4 stars; one submission).

Conditions:
Autosomal recessive limb-girdle muscular dystrophy type 2Y (MRRSDC). Also called: Muscular dystrophy, limb-girdle, type 2y; Muscular dystrophy, autosomal recessive, with rigid spine and distal joint contractures. Identifiers: Orphanet 424261, MedGen C4511482, MONDO:0014900, OMIM 617072.

Submission:

Labcorp Genetics (formerly Invitae), Labcorp
Classification: Uncertain significance for Autosomal recessive limb-girdle muscular dystrophy type 2Y. Last evaluated: 2020-04-06. Review status: criteria provided, single submitter. Criteria: Invitae Variant Classification Sherloc (09022015). Collection method: clinical testing. Allele origin: germline.
Comment: This variant, c.830_831delinsGC, is a complex sequence change that results in the deletion of proline and insertion of arginine amino acid(s) in the TOR1AIP1 protein (p.Pro277Arg). The frequency data for this variant in the population databases is not available, as this variant may be reported as separate entries in the ExAC database. In summary, the available evidence is currently insufficient to determine the role of this variant in disease. Therefore, it has been classified as a Variant of Uncertain Significance. Algorithms developed to predict the effect of missense changes on protein structure and function are either unavailable or do not agree on the potential impact of this missense change (SIFT: "Not Available"; PolyPhen-2: "Benign"; Align-GVGD: "Not Available"). This variant has not been reported in the literature in individuals with TOR1AIP1-related conditions.

NM_015602.4(TOR1AIP1):c.827_828delinsGC (p.Pro276Arg)

Gene: TOR1AIP1 (torsin 1A interacting protein 1; plus strand). Cytogenetic location: 1q25.2.
Variant type: Indel.
Coding change: c.827_828delinsGC on transcript NM_015602.4 (MANE Select); coding-DNA positions 827 to 828, CT replaced by GC.
Protein change: p.Pro276Arg; replaces proline 276 with arginine.
Molecular consequence: missense variant.
Genome position (GRCh38, 1-based): chr1:179,907,853-179,907,854, CT replaced by GC. VCF-style: chr1-179907853-CT-GC. GRCh37 (hg19) VCF-style: chr1-179876988-CT-GC.
Other names: c.830_831delinsGC, p.Pro277Arg (NM_001267578.2); short protein forms P276R, P277R.
Identifiers: ClinVar variation 1020766 (VCV001020766.5), dbSNP rs1648699740, ClinGen allele CA1210460063.